The following is an entry in ClinVar:

ClinVar aggregate classification (germline): Uncertain significance. Review status: criteria provided, multiple submitters, no conflicts (2 of 4 stars). 2 submissions from 2 submitters: Uncertain significance (2). Last evaluated 2025-09-15.

Conditions:
Nephronophthisis 14 (NPHP14). Identifiers: Orphanet 2318, MedGen C3539071, MONDO:0013916, OMIM 614844.

gnomAD v4.1: 21 of 1,613,830 alleles (0.0013%); highest among the groups gnomAD compares: Non-Finnish European, 0.0014%; no homozygotes.

Submissions (2):

Labcorp Genetics (formerly Invitae), Labcorp
Classification: Uncertain significance for Nephronophthisis 14. Last evaluated: 2025-09-15. Review status: criteria provided, single submitter. Criteria: Invitae Variant Classification Sherloc (09022015). Collection method: clinical testing. Allele origin: germline.
Comment: This sequence change replaces histidine, which is basic and polar, with leucine, which is neutral and non-polar, at codon 872 of the ZNF423 protein (p.His872Leu). This variant is present in population databases (rs769834952, gnomAD 0.01%). This variant has not been reported in the literature in individuals affected with ZNF423-related conditions. Invitae Evidence Modeling of protein sequence and biophysical properties (such as structural, functional, and spatial information, amino acid conservation, physicochemical variation, residue mobility, and thermodynamic stability) indicates that this missense variant is not expected to disrupt ZNF423 protein function with a negative predictive value of 80%. In summary, the available evidence is currently insufficient to determine the role of this variant in disease. Therefore, it has been classified as a Variant of Uncertain Significance.

Blueprint Genetics
Classification: Uncertain significance. Last evaluated: 2024-09-02. Review status: criteria provided, single submitter. Criteria: ACMG Guidelines, 2015. Collection method: clinical testing. Allele origin: germline.

NM_001379286.1(ZNF423):c.2639A>T (p.His880Leu)

Gene: ZNF423 (zinc finger protein 423; minus strand). Cytogenetic location: 16q12.1.
Variant type: single nucleotide variant.
Coding change: c.2639A>T on transcript NM_001379286.1 (MANE Select); coding-DNA position 2639, A replaced by T.
Protein change: p.His880Leu; replaces histidine 880 with leucine.
Molecular consequence: missense variant.
Genome position (GRCh38, 1-based): chr16:49,636,537, T>A on the plus strand (A>T on the coding strand, the complement: ZNF423 is on the minus strand). VCF-style: chr16-49636537-T-A. GRCh37 (hg19) VCF-style: chr16-49670448-T-A.
Other names: c.2435A>T, p.His812Leu (NM_001271620.2); c.2264A>T, p.His755Leu (NM_001330533.2); c.2615A>T, p.His872Leu (NM_015069.5); short protein forms H872L, H755L, H812L, H880L.
Identifiers: ClinVar variation 4706416 (VCV004706416.2).
Genomic context (GRCh38, chr16:49,636,537, plus strand): 5'-CCACAGATGTCACAGCCGTACATGGGCTCCGACGCGTCCACGTCATCCTCGCTGGCCTCA[T>A]GGCTGTTAGGTGCCTCAGGGTTCTTAAGCAGCATGCCCTGCAGGTCAGCAGGCTCAGCTT-3'
Protein context (NP_001366215.1, residues 870-890): LLKNPEAPNS[His880Leu]EASEDDVDAS